The following is an entry in ClinVar:

ClinVar aggregate classification (germline): Uncertain significance. Review status: criteria provided, multiple submitters, no conflicts (2 of 4 stars). 2 submissions from 2 submitters: Uncertain significance (2). Last evaluated 2026-07-15.

Conditions:
Inborn genetic diseases. Identifiers: MedGen C0950123, MeSH D030342.

Submissions (2):

Ambry Genetics
Classification: Uncertain significance for Inborn genetic diseases. Last evaluated: 2026-07-15. Review status: criteria provided, single submitter. Criteria: Ambry Variant Classification Scheme 2023. Collection method: clinical testing. Allele origin: germline.
Comment: The c.1709G>A (p.G570D) alteration is located in exon 11 (coding exon 9) of the CLCN4 gene. This alteration results from a G to A substitution at nucleotide position 1709, causing the glycine (G) at amino acid position 570 to be replaced by an aspartic acid (D). This variant was not reported in population-based cohorts in the Genome Aggregation Database (gnomAD). This amino acid position is highly conserved in available vertebrate species. This alteration is predicted to be deleterious by in silico analysis. Based on insufficient or conflicting evidence, the clinical significance of this alteration remains unclear.

Greenwood Genetic Center Diagnostic Laboratories, Greenwood Genetic Center
Classification: Uncertain significance. Last evaluated: 2023-03-28. Review status: criteria provided, single submitter. Criteria: ACMG Guidelines, 2015. Collection method: clinical testing. Allele origin: germline. Affected: yes.
Comment: PM2, PP2, PP3

NM_001830.4(CLCN4):c.1709G>A (p.Gly570Asp)

Gene: CLCN4 (Cl-/H+ antiporter 4; plus strand). Cytogenetic location: Xp22.2.
Variant type: single nucleotide variant.
Coding change: c.1709G>A on transcript NM_001830.4 (MANE Select); coding-DNA position 1709, G replaced by A.
Protein change: p.Gly570Asp; replaces glycine 570 with aspartic acid.
Molecular consequence: missense variant.
Genome position (GRCh38, 1-based): chrX:10,213,813, G>A. VCF-style: chrX-10213813-G-A. GRCh37 (hg19) VCF-style: chrX-10181853-G-A.
Other names: c.1427G>A, p.Gly476Asp (NM_001256944.2); c.1709G>A (NM_001830.3); short protein forms G476D, G570D.
Identifiers: ClinVar variation 2505218 (VCV002505218.3), dbSNP rs2518889483, ClinGen allele CA412041849.
Genomic context (GRCh38, chrX:10,213,813, plus strand): 5'-TGCCCCTGATGGCGGCGGCTGTGACCAGCAAGTGGGTAGCTGATGCATTTGGGAAAGAAG[G>A]CATCTACGAGGCCCACATCCACTTAAATGGGTACCCTTTCCTTGACGTGAAGGACGAGTT-3'
Protein context (NP_001821.2, residues 560-580): KWVADAFGKE[Gly570Asp]IYEAHIHLNG